The following is an entry in ClinVar:

NM_003628.6(PKP4):c.541A>G (p.Ile181Val)

Gene: PKP4 (plakophilin 4; plus strand). Cytogenetic location: 2q24.1.
Variant type: single nucleotide variant.
Coding change: c.541A>G on transcript NM_003628.6 (MANE Select); coding-DNA position 541, A replaced by G.
Protein change: p.Ile181Val; replaces isoleucine 181 with valine.
Molecular consequence: missense variant. On other transcripts: 5 prime UTR variant (1).
Genome position (GRCh38, 1-based): chr2:158,621,359, A>G. VCF-style: chr2-158621359-A-G. GRCh37 (hg19) VCF-style: chr2-159477871-A-G.
Other names: c.541A>G, p.Ile181Val (NM_001005476.4, NM_001304969.3, NM_001304971.2 and 6 more transcripts); c.-409A>G (NM_001304970.3); c.535A>G, p.Ile179Val (NM_001377222.1, NM_001377223.1, NM_001377224.1); short protein forms I179V, I181V.
Identifiers: ClinVar variation 3419628 (VCV003419628.1).

ClinVar aggregate classification (germline): Uncertain significance (1 of 4 stars; one submission).

Submission:

Ambry Genetics
Classification: Uncertain significance. Last evaluated: 2024-10-28. Review status: criteria provided, single submitter. Criteria: Ambry Variant Classification Scheme 2023. Collection method: clinical testing. Allele origin: germline.
Comment: The p.I181V variant (also known as c.541A>G), located in coding exon 5 of the PKP4 gene, results from an A to G substitution at nucleotide position 541. The isoleucine at codon 181 is replaced by valine, an amino acid with highly similar properties. This amino acid position is conserved. In addition, this alteration is predicted to be tolerated by in silico analysis. Based on the available evidence, the clinical significance of this variant remains unclear.